The following is an entry in ClinVar:

ClinVar aggregate classification (germline): Uncertain significance (0 of 4 stars; one submission).

Submission:

Department of Pathology and Laboratory Medicine, Sinai Health System
Classification: Uncertain significance. Review status: no assertion criteria provided. Collection method: clinical testing. Allele origin: unknown. Affected: yes. Study: The Canadian Open Genetics Repository (COGR).
Comment: The KRT9 p.Arg240Gly variant was not identified in the literature nor was it identified in dbSNP, ClinVar, LOVD 3.0 or in the following control databases: the 1000 Genomes Project, the NHLBI GO Exome Sequencing Project, or the Genome Aggregation Database (March 6, 2019, v2.1.1). The p.Arg240 residue is conserved across mammals and other organisms, and computational analyses (PolyPhen-2, SIFT, AlignGVGD, BLOSUM, MutationTaster) suggest that the variant may impact the protein; however, this information is not predictive enough to assume pathogenicity. The variant occurs outside of the splicing consensus sequence and 2 of 4 in silico or computational prediction software programs (SpliceSiteFinder, MaxEntScan, NNSPLICE, GeneSplicer) predict a greater than 10% difference in splicing; this is not very predictive of pathogenicity. In summary, based on the above information the clinical significance of this variant cannot be determined with certainty at this time. This variant is classified as a variant of uncertain significance.

NM_000226.4(KRT9):c.718A>G (p.Arg240Gly)

Gene: KRT9 (keratin 9; minus strand). Cytogenetic location: 17q21.2.
Variant type: single nucleotide variant.
Coding change: c.718A>G on transcript NM_000226.4 (MANE Select); coding-DNA position 718, A replaced by G.
Protein change: p.Arg240Gly; replaces arginine 240 with glycine.
Molecular consequence: missense variant.
Genome position (GRCh38, 1-based): chr17:41,570,145, T>C on the plus strand (A>G on the coding strand, the complement: KRT9 is on the minus strand). VCF-style: chr17-41570145-T-C. GRCh37 (hg19) VCF-style: chr17-39726397-T-C.
Other names: short protein forms R240G.
Identifiers: ClinVar variation 1049613 (VCV001049613.1), dbSNP rs2144570882, ClinGen allele CA399499152.